The following is an entry in ClinVar:

NM_015354.3(NUP188):c.1872C>G (p.Arg624=)

Gene: NUP188 (nucleoporin 188; plus strand). Cytogenetic location: 9q34.11.
Variant type: single nucleotide variant.
Coding change: c.1872C>G on transcript NM_015354.3 (MANE Select); coding-DNA position 1872, C replaced by G.
Protein change: p.Arg624=; no amino-acid change (arginine 624 retained).
Molecular consequence: synonymous variant.
Genome position (GRCh38, 1-based): chr9:128,983,368, C>G. VCF-style: chr9-128983368-C-G. GRCh37 (hg19) VCF-style: chr9-131745647-C-G.
Identifiers: ClinVar variation 4873682 (VCV004873682.2).

ClinVar aggregate classification (germline): Likely benign (1 of 4 stars; one submission).

gnomAD v4.1: 222 of 1,614,044 alleles (0.014%); highest among the groups gnomAD compares: Non-Finnish European, 0.018%; no homozygotes.

Submission:

CeGaT Center for Human Genetics Tuebingen
Classification: Likely benign. Last evaluated: 2026-06-01. Review status: criteria provided, single submitter. Criteria: CeGaT Center For Human Genetics Tuebingen Variant Classification Criteria Version 2. Collection method: clinical testing. Allele origin: germline. Affected: yes. Observed: 1 variant allele.
Comment: NUP188: BP4, BP7